The following is an entry in ClinVar:

ClinVar aggregate classification (germline): Uncertain significance (1 of 4 stars; one submission).

Conditions:
SLC4A10-related disorder. Also called: SLC4A10-related condition.

Allele frequency attached by ClinVar (database versions not stated): gnomAD exomes below 0.00001.
gnomAD v4.1: 1 of 1,592,778 alleles (0.000063%); no homozygotes.

Submission:

PreventionGenetics, part of Exact Sciences
Classification: Uncertain significance for SLC4A10-related condition. Last evaluated: 2023-04-11. Review status: criteria provided, single submitter. Criteria: ACMG Guidelines, 2015. Collection method: clinical testing. Allele origin: germline.
Comment: The SLC4A10 c.130+1G>A variant is predicted to disrupt the GT donor site and interfere with normal splicing. To our knowledge, this variant has not been reported in the literature or in a large population database, indicating this variant is rare. Few chain-terminating variants in SLC4A10 are reported and loss of function has not been conclusively established as a mechanism for SLC4A10-related disorder. At this time, the clinical significance of this variant is uncertain due to the absence of conclusive functional and genetic evidence.

NM_001178015.2(SLC4A10):c.130+1G>A

Gene: SLC4A10 (solute carrier family 4 member 10; plus strand). Cytogenetic location: 2q24.2.
Variant type: single nucleotide variant.
Coding change: c.130+1G>A on transcript NM_001178015.2 (MANE Select); the canonical splice donor site of the intron after coding-DNA position 130, G replaced by A.
Molecular consequence: splice donor variant.
Genome position (GRCh38, 1-based): chr2:161,771,055, G>A. VCF-style: chr2-161771055-G-A. GRCh37 (hg19) VCF-style: chr2-162627565-G-A.
Other names: c.166+1G>A (NM_001354461.2, NM_001354447.2, NM_001354460.2 and 1 more transcripts); c.163+1G>A (NM_001354441.2, NM_001354442.2, NM_001178016.2 and 2 more transcripts); c.-556+1G>A (NM_001354455.2); c.130+1G>A (NM_001354440.2, NM_022058.4, NM_001354450.2 and 5 more transcripts).
Identifiers: ClinVar variation 2636730 (VCV002636730.1), dbSNP rs2469169036, ClinGen allele CA349216586.